The following is an entry in ClinVar:

NM_001370466.1(NOD2):c.2382-14T>G

Gene: NOD2 (nucleotide binding oligomerization domain containing 2; plus strand). Cytogenetic location: 16q12.1.
Variant type: single nucleotide variant.
Coding change: c.2382-14T>G on transcript NM_001370466.1 (MANE Select); 14 bases into the intron before coding-DNA position 2382, T replaced by G.
Molecular consequence: intron variant.
Genome position (GRCh38, 1-based): chr16:50,716,573, T>G. VCF-style: chr16-50716573-T-G. GRCh37 (hg19) VCF-style: chr16-50750484-T-G.
Other names: c.2463-14T>G (NM_022162.3); c.2382-14T>G (NM_001293557.2).
Identifiers: ClinVar variation 1419760 (VCV001419760.8), dbSNP rs2150823709, ClinGen allele CA2573152312.

ClinVar aggregate classification (germline): Uncertain significance (1 of 4 stars; one submission).

Conditions:
Blau syndrome (BLAUS). Also called: ARTHROCUTANEOUVEAL GRANULOMATOSIS; GRANULOMATOSIS, FAMILIAL JUVENILE SYSTEMIC; GRANULOMATOSIS, FAMILIAL, BLAU TYPE; GRANULOMATOUS INFLAMMATORY ARTHRITIS, DERMATITIS, AND UVEITIS, FAMILIAL; JABS SYNDROME. Identifiers: Orphanet 90340, MedGen C5201146, MONDO:0008523, OMIM 186580.
Regional enteritis. Also called: Enteritis, Granulomatous. Identifiers: MedGen C0678202, MeSH D003424.

Submission:

Labcorp Genetics (formerly Invitae), Labcorp
Classification: Uncertain significance for Regional enteritis; Blau syndrome. Last evaluated: 2022-08-09. Review status: criteria provided, single submitter. Criteria: Invitae Variant Classification Sherloc (09022015). Collection method: clinical testing. Allele origin: germline.
Comment: In summary, the available evidence is currently insufficient to determine the role of this variant in disease. Therefore, it has been classified as a Variant of Uncertain Significance. Algorithms developed to predict the effect of sequence changes on RNA splicing suggest that this variant may disrupt the consensus splice site. ClinVar contains an entry for this variant (Variation ID: 1419760). This variant has not been reported in the literature in individuals affected with NOD2-related conditions. This variant is not present in population databases (gnomAD no frequency). This sequence change falls in intron 4 of the NOD2 gene. It does not directly change the encoded amino acid sequence of the NOD2 protein.